The following is an entry in ClinVar:

NM_021830.5(TWNK):c.2051A>C (p.Lys684Thr)

Gene: TWNK (twinkle mtDNA helicase; plus strand). Cytogenetic location: 10q24.31.
Variant type: single nucleotide variant.
Coding change: c.2051A>C on transcript NM_021830.5 (MANE Select); coding-DNA position 2051, A replaced by C.
Protein change: p.Lys684Thr; replaces lysine 684 with threonine.
Molecular consequence: missense variant. On other transcripts: 3 prime UTR variant (2), non-coding transcript variant (5).
Genome position (GRCh38, 1-based): chr10:100,993,506, A>C. VCF-style: chr10-100993506-A-C. GRCh37 (hg19) VCF-style: chr10-102753263-A-C.
Other names: c.*346A>C (NM_001163812.2, NM_001163814.2); c.689A>C, p.Lys230Thr (NM_001163813.2, NM_001368275.1); short protein forms K230T, K684T.
Identifiers: ClinVar variation 2123481 (VCV002123481.4), dbSNP rs1590025434, ClinGen allele CA378212955.

ClinVar aggregate classification (germline): Uncertain significance (1 of 4 stars; one submission).

Allele frequency attached by ClinVar (database versions not stated): TOPMed below 0.00001.

Submission:

Labcorp Genetics (formerly Invitae), Labcorp
Classification: Uncertain significance. Last evaluated: 2022-09-05. Review status: criteria provided, single submitter. Criteria: Invitae Variant Classification Sherloc (09022015). Collection method: clinical testing. Allele origin: germline.
Comment: In summary, the available evidence is currently insufficient to determine the role of this variant in disease. Therefore, it has been classified as a Variant of Uncertain Significance. Advanced modeling of protein sequence and biophysical properties (such as structural, functional, and spatial information, amino acid conservation, physicochemical variation, residue mobility, and thermodynamic stability) performed at Invitae indicates that this missense variant is not expected to disrupt TWNK protein function. This variant has not been reported in the literature in individuals affected with TWNK-related conditions. This variant is not present in population databases (gnomAD no frequency). This sequence change replaces lysine, which is basic and polar, with threonine, which is neutral and polar, at codon 684 of the TWNK protein (p.Lys684Thr).